The following is an entry in ClinVar:

NM_000088.4(COL1A1):c.3883A>T (p.Thr1295Ser)

Gene: COL1A1 (collagen type I alpha 1 chain; minus strand). Cytogenetic location: 17q21.33.
Variant type: single nucleotide variant.
Coding change: c.3883A>T on transcript NM_000088.4 (MANE Select); coding-DNA position 3883, A replaced by T.
Protein change: p.Thr1295Ser; replaces threonine 1295 with serine.
Molecular consequence: missense variant.
Genome position (GRCh38, 1-based): chr17:50,186,439, T>A on the plus strand (A>T on the coding strand, the complement: COL1A1 is on the minus strand). VCF-style: chr17-50186439-T-A. GRCh37 (hg19) VCF-style: chr17-48263800-T-A.
Other names: short protein forms T1295S.
Identifiers: ClinVar variation 2104761 (VCV002104761.4), dbSNP rs2509160915, ClinGen allele CA400193668.

ClinVar aggregate classification (germline): Uncertain significance (1 of 4 stars; one submission).

Conditions:
Osteogenesis imperfecta type I (OI1). Also called: Lobstein disease; OI, TYPE I; OSTEOGENESIS IMPERFECTA TARDA; OSTEOGENESIS IMPERFECTA WITH BLUE SCLERAE; Osteogenesis imperfecta type 1; Classic Non-deforming Osteogenesis Imperfecta with Blue Sclerae. Identifiers: Orphanet 216796, Orphanet 666, MedGen C0023931, MONDO:0008146, OMIM 166200. Disease mechanism: loss of function.

Submission:

Labcorp Genetics (formerly Invitae), Labcorp
Classification: Uncertain significance for Osteogenesis imperfecta type I. Last evaluated: 2022-02-28. Review status: criteria provided, single submitter. Criteria: Invitae Variant Classification Sherloc (09022015). Collection method: clinical testing. Allele origin: germline.
Comment: This variant has not been reported in the literature in individuals affected with COL1A1-related conditions. This sequence change replaces threonine, which is neutral and polar, with serine, which is neutral and polar, at codon 1295 of the COL1A1 protein (p.Thr1295Ser). This variant is not present in population databases (gnomAD no frequency). Advanced modeling of protein sequence and biophysical properties (such as structural, functional, and spatial information, amino acid conservation, physicochemical variation, residue mobility, and thermodynamic stability) performed at Invitae indicates that this missense variant is not expected to disrupt COL1A1 protein function. In summary, the available evidence is currently insufficient to determine the role of this variant in disease. Therefore, it has been classified as a Variant of Uncertain Significance.